The following is an entry in ClinVar:

NM_138694.4(PKHD1):c.*2086A>G

Gene: PKHD1 (PKHD1 ciliary IPT domain containing fibrocystin/polyductin; minus strand). Cytogenetic location: 6p12.3.
Variant type: single nucleotide variant.
Coding change: c.*2086A>G on transcript NM_138694.4 (MANE Select); 2086 bases downstream of the stop codon, A replaced by G.
Molecular consequence: 3 prime UTR variant.
Genome position (GRCh38, 1-based): chr6:51,616,995, T>C on the plus strand (A>G on the coding strand, the complement: PKHD1 is on the minus strand). VCF-style: chr6-51616995-T-C. GRCh37 (hg19) VCF-style: chr6-51481793-T-C.
Identifiers: ClinVar variation 910672 (VCV000910672.4), dbSNP rs569538414, ClinGen allele CA138871293.

ClinVar aggregate classification (germline): Likely benign (1 of 4 stars; one submission).

Conditions:
Autosomal recessive polycystic kidney disease (ARPKD). Also called: AR polycystic kidney disease. Identifiers: Orphanet 731, Orphanet 8378, MedGen C0085548, MeSH D017044, MONDO:0009889.

Allele frequency attached by ClinVar (database versions not stated): gnomAD 0.00001 and 0.00056; TOPMed 0.00006; gnomAD exomes 0.00020; 1000 Genomes Project 30x 0.00406; 1000 Genomes Project 0.00479.

Submission:

Illumina Laboratory Services, Illumina
Classification: Likely benign for Polycystic kidney disease 4. Last evaluated: 2018-01-13. Review status: criteria provided, single submitter. Criteria: ICSL Variant Classification Criteria 13 December 2019. Collection method: clinical testing. Allele origin: germline.
Comment: This variant was observed in the ICSL laboratory as part of a predisposition screen in an ostensibly healthy population. It had not been previously curated by ICSL or reported in the Human Gene Mutation Database (HGMD: prior to June 1st, 2018), and was therefore a candidate for classification through an automated scoring system. Utilizing variant allele frequency, disease prevalence and penetrance estimates, and inheritance mode, an automated score was calculated to assess if this variant is too frequent to cause the disease. Based on the score and internal cut-off values, a variant classified as likely benign is not then subjected to further curation. The score for this variant resulted in a classification of likely benign for this disease.